The following is an entry in ClinVar:

ClinVar aggregate classification (germline): Conflicting classifications of pathogenicity. Review status: criteria provided, conflicting classifications (1 of 4 stars). 4 submissions from 4 submitters: Pathogenic (1); Likely pathogenic (2); Uncertain significance (1). Last evaluated 2026-04-13.

Conditions:
Inborn genetic diseases. Identifiers: MedGen C0950123, MeSH D030342.
Tyrosinase-positive oculocutaneous albinism (OCA2). Also called: Albinism, oculocutaneous, type II; ALBINISM II; Oculocutaneous albinism type 2. Identifiers: Orphanet 79432, MedGen C0268495, MONDO:0008746, OMIM 203200.

Allele frequency attached by ClinVar (database versions not stated): TOPMed below 0.00001; gnomAD 0.00001.
gnomAD v4.1: 2 of 1,614,092 alleles (0.00012%); highest among the groups gnomAD compares: African/African-American, 0.0027%; no homozygotes.

Submissions (4):

Ambry Genetics
Classification: Likely pathogenic for Inborn genetic diseases. Last evaluated: 2026-04-13. Review status: criteria provided, single submitter. Criteria: Ambry Variant Classification Scheme 2023. Collection method: clinical testing. Allele origin: germline.
Comment: The c.1444A>C (p.T482P) alteration is located in exon 14 (coding exon 13) of the OCA2 gene. This alteration results from an A to C substitution at nucleotide position 1444, causing the threonine (T) at amino acid position 482 to be replaced by a proline (P). This variant was not reported in population-based cohorts in the Genome Aggregation Database (gnomAD). This variant has been identified in conjunction with another OCA2 variant an in individual affected with oculocutaneous albinism type 2 (Aquaron, 2022). This amino acid position is highly conserved in available vertebrate species. This alteration is predicted to be deleterious by in silico analysis. Based on the available evidence, this alteration is classified as likely pathogenic.

Labcorp Genetics (formerly Invitae), Labcorp
Classification: Pathogenic. Last evaluated: 2025-08-21. Review status: criteria provided, single submitter. Criteria: Invitae Variant Classification Sherloc (09022015). Collection method: clinical testing. Allele origin: germline.
Comment: This sequence change replaces threonine, which is neutral and polar, with proline, which is neutral and non-polar, at codon 482 of the OCA2 protein (p.Thr482Pro). This variant is not present in population databases (gnomAD no frequency). This missense change has been observed in individual(s) with albinism (PMID: 35964929; internal data). ClinVar contains an entry for this variant (Variation ID: 1345031). Invitae Evidence Modeling of protein sequence and biophysical properties (such as structural, functional, and spatial information, amino acid conservation, physicochemical variation, residue mobility, and thermodynamic stability) indicates that this missense variant is expected to disrupt OCA2 protein function with a positive predictive value of 80%. This variant disrupts the p.Thr482 amino acid residue in OCA2. Other variant(s) that disrupt this residue have been determined to be pathogenic (PMID: 34707637, 37471664). This suggests that this residue is clinically significant, and that variants that disrupt this residue are likely to be disease-causing. For these reasons, this variant has been classified as Pathogenic.

Women's Health and Genetics/Laboratory Corporation of America, LabCorp
Classification: Uncertain significance. Last evaluated: 2025-04-02. Review status: criteria provided, single submitter. Criteria: LabCorp Variant Classification Summary - May 2015. Collection method: clinical testing. Allele origin: germline.
Comment: Variant summary: OCA2 c.1444A>C (p.Thr482Pro) results in a non-conservative amino acid change in the encoded protein sequence. Five of five in-silico tools predict a damaging effect of the variant on protein function. The variant was absent in 251494 control chromosomes. c.1444A>C has been reported in the literature in individuals affected with Oculocutaneous Albinism, including as a compound heterozygous genotype (e.g. Aquaron_2022, Labcorp (formerly Invitae)). These data indicate that the variant may be associated with disease. To our knowledge, no experimental evidence demonstrating an impact on protein function has been reported. The following publications has been ascertained in the context of this evaluation (PMID: 35964929). ClinVar contains an entry for this variant (Variation ID: 1345031). Based on the evidence outlined above, the variant was classified as VUS-possibly pathogenic.

Molecular Genetics, University Hospital Bordeaux
Classification: Likely pathogenic for Tyrosinase-positive oculocutaneous albinism. Review status: criteria provided, single submitter. Criteria: ACMG Guidelines, 2015. Collection method: clinical testing. Allele origin: unknown. Inheritance: Autosomal recessive inheritance. Affected: yes. Observed: 1 compound heterozygote.

Literature cited by the submitters: PubMed 35964929 (cited by 3 submitters); PubMed 34707637 (cited by Labcorp Genetics (formerly Invitae), Labcorp); PubMed 37471664 (cited by Labcorp Genetics (formerly Invitae), Labcorp).

NM_000275.3(OCA2):c.1444A>C (p.Thr482Pro)

Gene: OCA2 (OCA2 melanosomal transmembrane protein; minus strand). Cytogenetic location: 15q13.1.
Variant type: single nucleotide variant.
Coding change: c.1444A>C on transcript NM_000275.3 (MANE Select); coding-DNA position 1444, A replaced by C.
Protein change: p.Thr482Pro; replaces threonine 482 with proline.
Molecular consequence: missense variant.
Genome position (GRCh38, 1-based): chr15:27,983,404, T>G on the plus strand (A>C on the coding strand, the complement: OCA2 is on the minus strand). VCF-style: chr15-27983404-T-G. GRCh37 (hg19) VCF-style: chr15-28228550-T-G.
Other names: c.1372A>C, p.Thr458Pro (NM_001300984.2); c.1444A>C (NM_000275.2); short protein forms T458P, T482P.
Identifiers: ClinVar variation 1345031 (VCV001345031.10), dbSNP rs2041233832, ClinGen allele CA391359437.